The following is an entry in ClinVar:

NM_005138.3(SCO2):c.686A>G (p.Tyr229Cys)

Genes: NCAPH2 (non-SMC condensin II complex subunit H2; plus strand), SCO2 (synthesis of cytochrome C oxidase 2; minus strand). Cytogenetic location: 22q13.33.
Variant type: single nucleotide variant.
Coding change: c.686A>G on transcript NM_005138.3 (MANE Select); coding-DNA position 686, A replaced by G.
Protein change: p.Tyr229Cys; replaces tyrosine 229 with cysteine.
Molecular consequence: missense variant. On other transcripts: 3 prime UTR variant (2).
Genome position (GRCh38, 1-based): chr22:50,523,726, T>C on the plus strand (A>G on the coding strand, the complement: SCO2 is on the minus strand). VCF-style: chr22-50523726-T-C. GRCh37 (hg19) VCF-style: chr22-50962155-T-C.
Other names: c.*351T>C (NM_001185011.2, NM_152299.4); c.686A>G, p.Tyr229Cys (NM_001169109.2, NM_001169110.1, NM_001169111.2); short protein forms Y229C.
Identifiers: ClinVar variation 2435781 (VCV002435781.5), dbSNP rs2522465910, ClinGen allele CA412191391.

ClinVar aggregate classification (germline): Uncertain significance. Review status: criteria provided, multiple submitters, no conflicts (2 of 4 stars). 3 submissions from 3 submitters: Uncertain significance (3). Last evaluated 2025-08-12.

Conditions:
Inborn genetic diseases. Identifiers: MedGen C0950123, MeSH D030342.

Allele frequency attached by ClinVar (database versions not stated): gnomAD exomes below 0.00001.
gnomAD v4.1: 1 of 1,614,120 alleles (0.000062%); highest among the groups gnomAD compares: South Asian, 0.0011%; no homozygotes.

Submissions (3):

Ambry Genetics
Classification: Uncertain significance for Inborn genetic diseases. Last evaluated: 2025-08-12. Review status: criteria provided, single submitter. Criteria: Ambry Variant Classification Scheme 2023. Collection method: clinical testing. Allele origin: germline.
Comment: The c.686A>G (p.Y229C) alteration is located in exon 2 (coding exon 1) of the SCO2 gene. This alteration results from a A to G substitution at nucleotide position 686, causing the tyrosine (Y) at amino acid position 229 to be replaced by a cysteine (C). This variant was not reported in population-based cohorts in the Genome Aggregation Database (gnomAD). This amino acid position is highly conserved in available vertebrate species. This alteration is predicted to be deleterious by in silico analysis. Based on insufficient or conflicting evidence, the clinical significance of this alteration remains unclear.

GeneDx
Classification: Uncertain significance. Last evaluated: 2023-12-28. Review status: criteria provided, single submitter. Criteria: GeneDx Variant Classification Process June 2021. Collection method: clinical testing. Allele origin: germline. Affected: yes.
Comment: Not observed at significant frequency in large population cohorts (gnomAD); In silico analysis supports that this missense variant has a deleterious effect on protein structure/function; Has not been previously published as pathogenic or benign to our knowledge

Revvity Omics, Revvity
Classification: Uncertain significance. Last evaluated: 2022-11-07. Review status: criteria provided, single submitter. Criteria: ACMG Guidelines, 2015. Collection method: clinical testing. Allele origin: germline.